The following is an entry in ClinVar:

NM_031942.5(CDCA7):c.661T>C (p.Ser221Pro)

Gene: CDCA7 (cell division cycle associated 7; plus strand). Cytogenetic location: 2q31.1.
Variant type: single nucleotide variant.
Coding change: c.661T>C on transcript NM_031942.5 (MANE Select); coding-DNA position 661, T replaced by C.
Protein change: p.Ser221Pro; replaces serine 221 with proline.
Molecular consequence: missense variant.
Genome position (GRCh38, 1-based): chr2:173,363,857, T>C. VCF-style: chr2-173363857-T-C. GRCh37 (hg19) VCF-style: chr2-174228585-T-C.
Other names: c.424T>C, p.Ser142Pro (NM_145810.3); short protein forms S142P, S221P.
Identifiers: ClinVar variation 4223530 (VCV004223530.2).

ClinVar aggregate classification (germline): Uncertain significance. Review status: criteria provided, multiple submitters, no conflicts (2 of 4 stars). 2 submissions from 2 submitters: Uncertain significance (2). Last evaluated 2025-09-01.

gnomAD v4.1: 9 of 1,614,136 alleles (0.00056%); highest among the groups gnomAD compares: Admixed American, 0.015%; no homozygotes.

Submissions (2):

Ambry Genetics
Classification: Uncertain significance. Last evaluated: 2025-09-01. Review status: criteria provided, single submitter. Criteria: Ambry Variant Classification Scheme 2023. Collection method: clinical testing. Allele origin: germline.

Labcorp Genetics (formerly Invitae), Labcorp
Classification: Uncertain significance. Last evaluated: 2025-05-08. Review status: criteria provided, single submitter. Criteria: Invitae Variant Classification Sherloc (09022015). Collection method: clinical testing. Allele origin: germline.
Comment: This sequence change replaces serine, which is neutral and polar, with proline, which is neutral and non-polar, at codon 221 of the CDCA7 protein (p.Ser221Pro). This variant is present in population databases (rs773216255, gnomAD 0.02%). This variant has not been reported in the literature in individuals affected with CDCA7-related conditions. Invitae Evidence Modeling of protein sequence and biophysical properties (such as structural, functional, and spatial information, amino acid conservation, physicochemical variation, residue mobility, and thermodynamic stability) indicates that this missense variant is not expected to disrupt CDCA7 protein function with a negative predictive value of 80%. In summary, the available evidence is currently insufficient to determine the role of this variant in disease. Therefore, it has been classified as a Variant of Uncertain Significance.